The following is an entry in ClinVar:

ClinVar aggregate classification (germline): Uncertain significance (1 of 4 stars; one submission).

Conditions:
Inborn genetic diseases. Identifiers: MedGen C0950123, MeSH D030342.

Allele frequency attached by ClinVar (database versions not stated): gnomAD exomes below 0.00001; TOPMed 0.00001.
gnomAD v4.1: 1 of 1,614,244 alleles (0.000062%); highest among the groups gnomAD compares: Non-Finnish European, 0.000085%; no homozygotes.

Submission:

Ambry Genetics
Classification: Uncertain significance for Inborn genetic diseases. Last evaluated: 2020-10-19. Review status: criteria provided, single submitter. Criteria: Ambry Variant Classification Scheme 2023. Collection method: clinical testing. Allele origin: germline.
Comment: The p.A540V variant (also known as c.1619C>T), located in coding exon 15 of the DCTN1 gene, results from a C to T substitution at nucleotide position 1619. The alanine at codon 540 is replaced by valine, an amino acid with similar properties. This amino acid position is highly conserved in available vertebrate species. In addition, the in silico prediction for this alteration is inconclusive. Since supporting evidence is limited at this time, the clinical significance of this alteration remains unclear.

NM_004082.5(DCTN1):c.1619C>T (p.Ala540Val)

Gene: DCTN1 (dynactin subunit 1; minus strand). Cytogenetic location: 2p13.1.
Variant type: single nucleotide variant.
Coding change: c.1619C>T on transcript NM_004082.5 (MANE Select); coding-DNA position 1619, C replaced by T.
Protein change: p.Ala540Val; replaces alanine 540 with valine.
Molecular consequence: missense variant. On other transcripts: non-coding transcript variant (1).
Genome position (GRCh38, 1-based): chr2:74,369,180, G>A on the plus strand (C>T on the coding strand, the complement: DCTN1 is on the minus strand). VCF-style: chr2-74369180-G-A. GRCh37 (hg19) VCF-style: chr2-74596307-G-A.
Other names: c.1559C>T, p.Ala520Val (NM_001135040.3); c.1217C>T, p.Ala406Val (NM_001135041.3, NM_023019.4); c.1508C>T, p.Ala503Val (NM_001190836.2); c.1598C>T, p.Ala533Val (NM_001190837.2); c.1568C>T, p.Ala523Val (NM_001378991.1); c.1550C>T, p.Ala517Val (NM_001378992.1); short protein forms A503V, A523V, A540V, A406V, A517V, A533V, A520V.
Identifiers: ClinVar variation 1776551 (VCV001776551.2), dbSNP rs1201128108, ClinGen allele CA347357116.
Genomic context (GRCh38, chr2:74,369,180, plus strand): 5'-GCAAACTTGATTTTGAAGTCAAAGGTCTCTGGAGGTGGCTGCTGTTGCCTCTCCACAGAT[G>A]CTTCCTGCTGGTTTGTCAGTTCCCGATTCACATCCTAGGAGGAGAGACAGTGAAGCACAG-3'
Protein context (NP_004073.2, residues 530-550): VNRELTNQQE[Ala540Val]SVERQQQPPP